The following is an entry in ClinVar:

ClinVar aggregate classification (germline): Uncertain significance (1 of 4 stars; one submission).

Submission:

Labcorp Genetics (formerly Invitae), Labcorp
Classification: Uncertain significance. Last evaluated: 2023-12-31. Review status: criteria provided, single submitter. Criteria: Invitae Variant Classification Sherloc (09022015). Collection method: clinical testing. Allele origin: germline.
Comment: This sequence change replaces proline, which is neutral and non-polar, with leucine, which is neutral and non-polar, at codon 1560 of the KMT2B protein (p.Pro1560Leu). This variant is not present in population databases (gnomAD no frequency). This variant has not been reported in the literature in individuals affected with KMT2B-related conditions. Advanced modeling of protein sequence and biophysical properties (such as structural, functional, and spatial information, amino acid conservation, physicochemical variation, residue mobility, and thermodynamic stability) performed at Invitae indicates that this missense variant is not expected to disrupt KMT2B protein function with a negative predictive value of 95%. In summary, the available evidence is currently insufficient to determine the role of this variant in disease. Therefore, it has been classified as a Variant of Uncertain Significance.

NM_014727.3(KMT2B):c.4679C>T (p.Pro1560Leu)

Gene: KMT2B (lysine methyltransferase 2B; plus strand). Cytogenetic location: 19q13.12.
Variant type: single nucleotide variant.
Coding change: c.4679C>T on transcript NM_014727.3 (MANE Select); coding-DNA position 4679, C replaced by T.
Protein change: p.Pro1560Leu; replaces proline 1560 with leucine.
Molecular consequence: missense variant.
Genome position (GRCh38, 1-based): chr19:35,728,881, C>T. VCF-style: chr19-35728881-C-T. GRCh37 (hg19) VCF-style: chr19-36219782-C-T.
Other names: short protein forms P1560L.
Identifiers: ClinVar variation 2706804 (VCV002706804.3), dbSNP rs2513341920, ClinGen allele CA405416438.
Genomic context (GRCh38, chr19:35,728,881, plus strand): 5'-ATGCGCAGTGGAGACAGCAGGAACCAGAGACCCCAGAATCAGGGCAGCCTCCAGGGGATC[C>T]CTCAGCAGGTACTGGGAAGTGGGGGTCCAGAAGCCAGGGCCCTGTGTTGGTGGCCTGGCT-3'
Protein context (NP_055542.1, residues 1550-1570): TPESGQPPGD[Pro1560Leu]SAAFQGKDPA